The following is an entry in ClinVar:

ClinVar aggregate classification (germline): Likely benign. Review status: criteria provided, multiple submitters, no conflicts (2 of 4 stars). 4 submissions from 4 submitters: Likely benign (3). 1 of the submissions does not count toward it. Last evaluated 2025-09-21.

Conditions:
MAPT-related disorder. Also called: MAPT-Related Disorders; MAPT-related condition.
Frontotemporal dementia (FTD1). Also called: FRONTOTEMPORAL DEMENTIA WITH PARKINSONISM; FRONTOTEMPORAL LOBE DEMENTIA; MULTIPLE SYSTEM TAUOPATHY WITH PRESENILE DEMENTIA; WILHELMSEN-LYNCH DISEASE; Frontotemporal lobe dementia (FLDEM); Dementia, frontotemporal, with or without parkinsonism. Identifiers: Orphanet 282, MedGen C0338451, MONDO:0017276, OMIM 600274, HP:0002145.

Allele frequency attached by ClinVar (database versions not stated): gnomAD exomes 0.00021 and 0.00055; ExAC 0.00079; gnomAD 0.00198 and 0.00217; 1000 Genomes Project 30x 0.00219; TOPMed 0.00235; 1000 Genomes Project 0.00240; ESP Exome Variant Server 0.00246.
gnomAD v4.1: 646 of 1,614,142 alleles (0.04%); highest among the groups gnomAD compares: African/African-American, 0.68%; 4 homozygotes.

Submissions (4):

Labcorp Genetics (formerly Invitae), Labcorp
Classification: Likely benign for Frontotemporal dementia. Last evaluated: 2025-09-21. Review status: criteria provided, single submitter. Criteria: Invitae Variant Classification Sherloc (09022015). Collection method: clinical testing. Allele origin: germline.

Women's Health and Genetics/Laboratory Corporation of America, LabCorp
Classification: Likely benign. Last evaluated: 2025-02-25. Review status: criteria provided, single submitter. Criteria: LabCorp Variant Classification Summary - May 2015. Collection method: clinical testing. Allele origin: germline.
Comment: Variant summary: MAPT c.452T>C (p.Ile151Thr) results in a non-conservative amino acid change in the encoded protein sequence. Four of five in-silico tools predict a benign effect of the variant on protein function. The variant allele was found at a frequency of 0.00055 in 251316 control chromosomes, predominantly at a frequency of 0.0069 within the African or African-American subpopulation in the gnomAD database. The observed variant frequency within African or African-American control individuals in the gnomAD database exceeds the estimated maximal expected allele frequency for a pathogenic variant in MAPT causing MAPT-Related Disorders phenotype. c.452T>C has been reported in the literature in at-least two individuals, one with apparent sporadic Parkinson disease and the other with a personal and family history of familial dementia (example: Lee_2014, Smaili_2023) in which an unaffected family member was also found to carry the variant. These report(s) do not provide unequivocal conclusions about association of the variant with MAPT-Related Disorders. To our knowledge, no experimental evidence demonstrating an impact on protein function has been reported. The following publications have been ascertained in the context of this evaluation (PMID: 25333068, 37256495). ClinVar contains an entry for this variant (Variation ID: 529748). Based on the evidence outlined above, the variant was classified as likely benign.

Breakthrough Genomics
Classification: Likely benign. Review status: criteria provided, single submitter. Criteria: ACMG Guidelines, 2015. Collection method: not provided. Allele origin: germline. Inheritance: Autosomal recessive inheritance. Affected: yes.

PreventionGenetics, part of Exact Sciences
Classification: Likely benign for MAPT-related condition. Last evaluated: 2019-08-09. Review status: no assertion criteria provided. Collection method: clinical testing. Allele origin: germline. Not counted in ClinVar's aggregate classification.
Comment: This variant is classified as likely benign based on ACMG/AMP sequence variant interpretation guidelines (Richards et al. 2015 PMID: 25741868, with internal and published modifications).

Literature cited by the submitters: PubMed 37256495 (cited by Women's Health and Genetics/Laboratory Corporation of America, LabCorp); PubMed 25333068 (cited by Women's Health and Genetics/Laboratory Corporation of America, LabCorp).

NM_001377265.1(MAPT):c.1628T>C (p.Ile543Thr)

Gene: MAPT (microtubule associated protein tau). Cytogenetic location: 17q21.31.
Variant type: single nucleotide variant.
Coding change: c.1628T>C on transcript NM_001377265.1 (MANE Select); coding-DNA position 1628, T replaced by C.
Protein change: p.Ile543Thr; replaces isoleucine 543 with threonine.
Molecular consequence: missense variant. On other transcripts: non-coding transcript variant (1).
Genome position (GRCh38, 1-based): chr17:45,991,482, T>C. VCF-style: chr17-45991482-T-C. GRCh37 (hg19) VCF-style: chr17-44068848-T-C.
Other names: c.1403T>C, p.Ile468Thr (NM_001123066.4, NM_016835.5); c.365T>C, p.Ile122Thr (NM_001123067.4, NM_001203251.2, NM_001377267.1); c.452T>C, p.Ile151Thr (NM_001203252.2, NM_005910.6); c.1430T>C, p.Ile477Thr (NM_001377266.1); c.278T>C, p.Ile93Thr (NM_001377268.1, NM_016834.5, NM_016841.5); c.1403T>C (NM_001123066.3); short protein forms I151T, I468T, I122T, I93T, I477T, I543T.
Identifiers: ClinVar variation 529748 (VCV000529748.16), dbSNP rs114635790, ClinGen allele CA8617960.